The following is an entry in ClinVar:

ClinVar aggregate classification (germline): Conflicting classifications of pathogenicity. Review status: criteria provided, conflicting classifications (1 of 4 stars). 2 submissions from 2 submitters: Pathogenic (1); Uncertain significance (1). Last evaluated 2026-09-08.

Conditions:
Fabry disease. Also called: Ceramide trihexosidosis; CERAMIDE TRIHEXOSIDASE DEFICIENCY; GLA DEFICIENCY; HEREDITARY DYSTOPIC LIPIDOSIS; ALPHA-GALACTOSIDASE A DEFICIENCY; ANDERSON-FABRY DISEASE. Identifiers: Orphanet 324, MedGen C0002986, MONDO:0010526, OMIM 301500, HP:0001071. Disease mechanism: loss of function, Fabry disease is due to inactivating mutations in the X-linked GLA gene resulting in deficiency of the enzyme Alpha Galactosidase-A..

Submissions (2):

Genomenon, Inc
Classification: Pathogenic for Fabry disease. Last evaluated: 2026-09-08. Review status: criteria provided, single submitter. Criteria: Genomenon Sequence Variant Interpretation Standards - Updated. Collection method: curation. Allele origin: germline. Affected: yes.
Comment: GLA p.Cys63Arg (c.187T>C) is a missense variant that changes the amino acid at codon 63 from Cysteine to Arginine. This variant has been observed in at least one proband with clinical features consistent with Fabry disease (PMID:33915609;32203225;38002959;41301692). At least one functional study has demonstrated a substantial alteration in protein function relative to the wild-type (PMID:27657681). This variant is located in a mutational hotspot and/or important functional domain. It is absent or not present at a significant frequency in gnomAD. In silico models predict that this variant is possibly or probably damaging. In conclusion, we classify GLA p.Cys63Arg (c.187T>C) as a pathogenic variant.

Women's Health and Genetics/Laboratory Corporation of America, LabCorp
Classification: Uncertain significance. Last evaluated: 2021-07-02. Review status: criteria provided, single submitter. Criteria: LabCorp Variant Classification Summary - May 2015. Collection method: clinical testing. Allele origin: germline.
Comment: Variant summary: GLA c.187T>C (p.Cys63Arg) results in a non-conservative amino acid change in the encoded protein sequence. Five of five in-silico tools predict a damaging effect of the variant on protein function. The variant was absent in 183183 control chromosomes. c.187T>C has been reported in the literature in individuals affected with Fabry Disease (Thomas_2020, Malvagia_2021). These data indicate that the variant may be associated with disease. To our knowledge, no experimental evidence demonstrating an impact on protein function has been reported. No clinical diagnostic laboratories have submitted clinical-significance assessments for this variant to ClinVar after 2014. Based on the evidence outlined above, the variant was classified as VUS-possibly pathogenic.

Literature cited by the submitters: PubMed 33915609 (cited by Genomenon, Inc and Women's Health and Genetics/Laboratory Corporation of America, LabCorp); PubMed 32203225 (cited by Genomenon, Inc and Women's Health and Genetics/Laboratory Corporation of America, LabCorp); PubMed 38002959 (cited by Genomenon, Inc); PubMed 41301692 (cited by Genomenon, Inc); PubMed 27657681 (cited by Genomenon, Inc).

NM_000169.3(GLA):c.187T>C (p.Cys63Arg)

Genes: GLA (galactosidase alpha; minus strand), RPL36A-HNRNPH2 (RPL36A-HNRNPH2 readthrough; plus strand). Cytogenetic location: Xq22.1.
Variant type: single nucleotide variant.
Coding change: c.187T>C on transcript NM_000169.3 (MANE Select); coding-DNA position 187, T replaced by C.
Protein change: p.Cys63Arg; replaces cysteine 63 with arginine.
Molecular consequence: missense variant. On other transcripts: non-coding transcript variant (3), intron variant (2).
Genome position (GRCh38, 1-based): chrX:101,407,717, A>G on the plus strand (T>C on the coding strand, the complement: GLA is on the minus strand). VCF-style: chrX-101407717-A-G. GRCh37 (hg19) VCF-style: chrX-100662705-A-G.
Other names: c.187T>C, p.Cys63Arg (NM_001406747.1, NM_001406748.1, NM_001406749.1); c.301-4219A>G (NM_001199973.2); c.178-4219A>G (NM_001199974.2); short protein forms C63R.
Identifiers: ClinVar variation 996292 (VCV000996292.4), dbSNP rs1928578294, ClinGen allele CA413936636.